The following is an entry in ClinVar:

NM_001211.6(BUB1B):c.2572A>G (p.Ile858Val)

Gene: BUB1B (BUB1 mitotic checkpoint serine/threonine kinase B; plus strand). Cytogenetic location: 15q15.1.
Variant type: single nucleotide variant.
Coding change: c.2572A>G on transcript NM_001211.6 (MANE Select); coding-DNA position 2572, A replaced by G.
Protein change: p.Ile858Val; replaces isoleucine 858 with valine.
Molecular consequence: missense variant.
Genome position (GRCh38, 1-based): chr15:40,213,368, A>G. VCF-style: chr15-40213368-A-G. GRCh37 (hg19) VCF-style: chr15-40505569-A-G.
Other names: short protein forms I858V.
Identifiers: ClinVar variation 465374 (VCV000465374.11), dbSNP rs867416581, ClinGen allele CA268758326.
Genomic context (GRCh38, chr15:40,213,368, plus strand): 5'-AGTTTTCTGTCCTTCAATTTCCAGGATCTTCTCCAACACAGTGAATATATTACCCATGAA[A>G]TAACAGTGTTGATTATTTATAACCTTTTGACAATAGTGGAGATGCTACACAAAGCAGAAA-3'
Protein context (NP_001202.5, residues 848-868): LQHSEYITHE[Ile858Val]TVLIIYNLLT

ClinVar aggregate classification (germline): Uncertain significance (1 of 4 stars; one submission).

Conditions:
Mosaic variegated aneuploidy syndrome 1 (MVA1). Also called: Warburton-Anyane-Yeboa syndrome. Identifiers: Orphanet 1052, MedGen C1850343, MONDO:0009759, OMIM 257300.

Allele frequency attached by ClinVar (database versions not stated): gnomAD 0.00001 and 0.00002; gnomAD exomes 0.00001; TOPMed 0.00002.

Submission:

Labcorp Genetics (formerly Invitae), Labcorp
Classification: Uncertain significance for Mosaic variegated aneuploidy syndrome 1. Last evaluated: 2025-07-21. Review status: criteria provided, single submitter. Criteria: Invitae Variant Classification Sherloc (09022015). Collection method: clinical testing. Allele origin: germline.
Comment: This sequence change replaces isoleucine, which is neutral and non-polar, with valine, which is neutral and non-polar, at codon 858 of the BUB1B protein (p.Ile858Val). This variant is present in population databases (no rsID available, gnomAD 0.01%). This variant has not been reported in the literature in individuals affected with BUB1B-related conditions. ClinVar contains an entry for this variant (Variation ID: 465374). An algorithm developed to predict the effect of missense changes on protein structure and function outputs the following: PolyPhen-2: "Benign". The valine amino acid residue is found in multiple mammalian species, which suggests that this missense change does not adversely affect protein function. In summary, the available evidence is currently insufficient to determine the role of this variant in disease. Therefore, it has been classified as a Variant of Uncertain Significance.